The following is an entry in ClinVar:

GRCh38/hg38 15q11.2(chr15:22790740-23102647)x1

Genes: CYFIP1 (cytoplasmic FMR1 interacting protein 1; minus strand), NIPA1 (NIPA magnesium transporter 1; plus strand), NIPA2 (NIPA magnesium transporter 2; plus strand), TUBGCP5 (tubulin gamma complex component 5; minus strand), LOC112272575 (Sharpr-MPRA regulatory region 8478; plus strand) and 7 more. Cytogenetic location: 15q11.2.
Variant type: copy number loss.
Change: copy number 1 (one copy instead of two) of chr15:22,790,740-23,102,647 (311.9 kb, GRCh38 coordinates, 1-based), cytogenetic band 15q11.2.
Identifiers: ClinVar variation 155622 (VCV000155622.2).

ClinVar aggregate classification (germline): conflicting data from submitters (0 of 4 stars; one submission).

Submission:

ISCA site 1
Classification: conflicting data from submitters. Last evaluated: 2015-06-22. Review status: no assertion criteria provided. Collection method: clinical testing. Allele origin: maternal, unknown, paternal. Affected: yes. Observed: 6 variant alleles. Clinical features observed: Autistic behavior (HP:0000729), Delayed speech and language development (HP:0000750), Specific learning disability (HP:0001328), Small for gestational age (HP:0001518), Behavioral abnormality (HP:0000708), Global developmental delay (HP:0001263), Attention deficit hyperactivity disorder (HP:0007018), Cleft palate (HP:0000175).
Comment: Uncertain significance(4), Likely benign (2)

Copy number variation identified through the course of routine clinical cytogenomic testing in postnatal populations, with clinical assertions as classified by the original submitter. For data from the original published study, Kaminsky, et al. 2011 (PubMed 21844811), please see nstd101.